The following is an entry in ClinVar:

NM_001267052.2(UNC45B):c.1547+8G>A

Gene: UNC45B (unc-45 myosin chaperone B; plus strand). Cytogenetic location: 17q12.
Variant type: single nucleotide variant.
Coding change: c.1547+8G>A on transcript NM_001267052.2 (MANE Select); 8 bases into the intron after coding-DNA position 1547, G replaced by A.
Molecular consequence: intron variant.
Genome position (GRCh38, 1-based): chr17:35,169,939, G>A. VCF-style: chr17-35169939-G-A. GRCh37 (hg19) VCF-style: chr17-33496958-G-A.
Other names: c.1547+8G>A (NM_001033576.2, NM_173167.3); c.1453-1383G>A (NM_001308281.1).
Identifiers: ClinVar variation 3040807 (VCV003040807.4), dbSNP rs375764104, ClinGen allele CA289987214.

ClinVar aggregate classification (germline): Likely benign. Review status: criteria provided, single submitter (1 of 4 stars). 2 submissions from 2 submitters: Likely benign (1). 1 of the submissions does not count toward it. Last evaluated 2025-01-22.

Conditions:
UNC45B-related disorder. Also called: UNC45B-related condition.

Allele frequency attached by ClinVar (database versions not stated): gnomAD exomes 0.00001; TOPMed 0.00002; gnomAD 0.00003; ESP Exome Variant Server 0.00008.

Submissions (2):

Labcorp Genetics (formerly Invitae), Labcorp
Classification: Likely benign. Last evaluated: 2025-01-22. Review status: criteria provided, single submitter. Criteria: Invitae Variant Classification Sherloc (09022015). Collection method: clinical testing. Allele origin: germline.

PreventionGenetics, part of Exact Sciences
Classification: Likely benign for UNC45B-related condition. Last evaluated: 2019-09-18. Review status: no assertion criteria provided. Collection method: clinical testing. Allele origin: germline. Not counted in ClinVar's aggregate classification.
Comment: This variant is classified as likely benign based on ACMG/AMP sequence variant interpretation guidelines (Richards et al. 2015 PMID: 25741868, with internal and published modifications).